The following is an entry in ClinVar:

NM_182746.3(MCM4):c.2084A>G (p.His695Arg)

Gene: MCM4 (minichromosome maintenance complex component 4; plus strand). Cytogenetic location: 8q11.21.
Variant type: single nucleotide variant.
Coding change: c.2084A>G on transcript NM_182746.3 (MANE Select); coding-DNA position 2084, A replaced by G.
Protein change: p.His695Arg; replaces histidine 695 with arginine.
Molecular consequence: missense variant.
Genome position (GRCh38, 1-based): chr8:47,973,012, A>G. VCF-style: chr8-47973012-A-G. GRCh37 (hg19) VCF-style: chr8-48885572-A-G.
Other names: c.2084A>G, p.His695Arg (NM_005914.4); short protein forms H695R.
Identifiers: ClinVar variation 1463312 (VCV001463312.8), dbSNP rs772010648, ClinGen allele CA4742796.

ClinVar aggregate classification (germline): Uncertain significance (1 of 4 stars; one submission).

Allele frequency attached by ClinVar (database versions not stated): gnomAD exomes below 0.00001; TOPMed below 0.00001; ExAC 0.00001.

Submission:

Labcorp Genetics (formerly Invitae), Labcorp
Classification: Uncertain significance. Last evaluated: 2025-07-14. Review status: criteria provided, single submitter. Criteria: Invitae Variant Classification Sherloc (09022015). Collection method: clinical testing. Allele origin: germline.
Comment: This sequence change replaces histidine, which is basic and polar, with arginine, which is basic and polar, at codon 695 of the MCM4 protein (p.His695Arg). This variant is present in population databases (rs772010648, gnomAD 0.0009%). This variant has not been reported in the literature in individuals affected with MCM4-related conditions. ClinVar contains an entry for this variant (Variation ID: 1463312). Invitae Evidence Modeling of protein sequence and biophysical properties (such as structural, functional, and spatial information, amino acid conservation, physicochemical variation, residue mobility, and thermodynamic stability) indicates that this missense variant is not expected to disrupt MCM4 protein function with a negative predictive value of 80%. In summary, the available evidence is currently insufficient to determine the role of this variant in disease. Therefore, it has been classified as a Variant of Uncertain Significance.